The following is an entry in ClinVar:

NC_000023.10:g.(?_70330774)_(70331695_?)del

Gene: IL2RG (interleukin 2 receptor subunit gamma; minus strand). Cytogenetic location: Xq13.1.
Variant type: Deletion.
Identifiers: ClinVar variation 1454675 (VCV001454675.6).

ClinVar aggregate classification (germline): Pathogenic (1 of 4 stars; one submission).

Conditions:
X-linked severe combined immunodeficiency (SCIDX1). Also called: IMMUNODEFICIENCY 4; SCID, X-LINKED; SEVERE COMBINED IMMUNODEFICIENCY, X-LINKED, T CELL-NEGATIVE, B CELL-POSITIVE, NK CELL-NEGATIVE; T-B+ severe combined immunodeficiency due to gamma chain deficiency; X-Linked Combined Immunodeficiency Diseases. Identifiers: Orphanet 276, MedGen C6022468, MONDO:0010315, OMIM 300400. Disease mechanism: loss of function.

Submission:

Labcorp Genetics (formerly Invitae), Labcorp
Classification: Pathogenic for X-linked severe combined immunodeficiency. Last evaluated: 2021-05-03. Review status: criteria provided, single submitter. Criteria: Invitae Variant Classification Sherloc (09022015). Collection method: clinical testing. Allele origin: germline.
Comment: For these reasons, this variant has been classified as Pathogenic. This variant has not been reported in the literature in individuals with IL2RG-related conditions. This variant results in the deletion of exon 1 and part of exon 2 (c.-306_241del) of the IL2RG gene. It is expected to result in an absent or disrupted protein product. Loss-of-function variants in IL2RG are known to be pathogenic (PMID: 9058718, 10794430).

Literature cited by the submitters: PubMed 9058718; PubMed 10794430.